The following is an entry in ClinVar:

NM_001367856.1(PROSER3):c.1018C>T (p.Leu340=)

Gene: PROSER3 (proline and serine rich 3; plus strand). Cytogenetic location: 19q13.12.
Variant type: single nucleotide variant.
Coding change: c.1018C>T on transcript NM_001367856.1 (MANE Select); coding-DNA position 1018, C replaced by T.
Protein change: p.Leu340=; no amino-acid change (leucine 340 retained).
Molecular consequence: synonymous variant. On other transcripts: intron variant (2).
Genome position (GRCh38, 1-based): chr19:35,767,132, C>T. VCF-style: chr19-35767132-C-T. GRCh37 (hg19) VCF-style: chr19-36258033-C-T.
Other names: c.1015C>T, p.Leu339= (NM_001395450.1); c.982C>T, p.Leu328= (NM_001395451.1); c.760C>T, p.Leu254= (NM_001395452.1); c.730C>T, p.Leu244= (NM_001395453.1); c.685C>T, p.Leu229= (NM_001395454.1); c.1018C>T, p.Leu340= (NM_001395458.1); c.957+177C>T (NM_001039887.3); c.702+177C>T (NM_001395455.1).
Identifiers: ClinVar variation 2649755 (VCV002649755.24), dbSNP rs957665680, ClinGen allele CA307824793.

ClinVar aggregate classification (germline): Likely benign (1 of 4 stars; one submission).

Allele frequency attached by ClinVar (database versions not stated): gnomAD 0.00009; gnomAD exomes 0.00016.
gnomAD v4.1: 127 of 834,528 alleles (0.015%); highest among the groups gnomAD compares: Non-Finnish European, 0.0025%; no homozygotes.

Submission:

CeGaT Center for Human Genetics Tuebingen
Classification: Likely benign. Last evaluated: 2023-04-01. Review status: criteria provided, single submitter. Criteria: CeGaT Center For Human Genetics Tuebingen Variant Classification Criteria Version 2. Collection method: clinical testing. Allele origin: germline. Affected: yes. Observed: 1 variant allele.
Comment: PROSER3: BP4, BP7